The following is an entry in ClinVar:

ClinVar aggregate classification (germline): Uncertain significance (1 of 4 stars; one submission).

Conditions:
RAD1-related disorder. Also called: RAD1-related condition.

Allele frequency attached by ClinVar (database versions not stated): gnomAD exomes 0.00001; ExAC 0.00002; TOPMed 0.00002.
gnomAD v4.1: 7 of 1,614,136 alleles (0.00043%); highest among the groups gnomAD compares: East Asian, 0.016%; no homozygotes.

Submission:

PreventionGenetics, part of Exact Sciences
Classification: Uncertain significance for RAD1-related condition. Last evaluated: 2023-07-11. Review status: criteria provided, single submitter. Criteria: ACMG Guidelines, 2015. Collection method: clinical testing. Allele origin: germline.
Comment: The RAD1 c.467T>C variant is predicted to result in the amino acid substitution p.Ile156Thr. To our knowledge, this variant has not been reported in the literature. This variant is reported in 0.027% of alleles in individuals of East Asian descent in gnomAD. At this time, the clinical significance of this variant is uncertain due to the absence of conclusive functional and genetic evidence.

NM_002853.4(RAD1):c.467T>C (p.Ile156Thr)

Genes: RAD1 (RAD1 checkpoint DNA exonuclease; minus strand), TTC23L (tetratricopeptide repeat domain 23 like; plus strand). Cytogenetic location: 5p13.2.
Variant type: single nucleotide variant.
Coding change: c.467T>C on transcript NM_002853.4 (MANE Select); coding-DNA position 467, T replaced by C.
Protein change: p.Ile156Thr; replaces isoleucine 156 with threonine.
Molecular consequence: missense variant. On other transcripts: non-coding transcript variant (1).
Genome position (GRCh38, 1-based): chr5:34,911,653, A>G on the plus strand (T>C on the coding strand, the complement: RAD1 is on the minus strand). VCF-style: chr5-34911653-A-G. GRCh37 (hg19) VCF-style: chr5-34911758-A-G.
Other names: short protein forms I156T.
Identifiers: ClinVar variation 2631971 (VCV002631971.1), dbSNP rs762520471, ClinGen allele CA3227807.